The following is an entry in ClinVar:

NM_001184.4(ATR):c.1322C>T (p.Ser441Phe)

Gene: ATR (ATR checkpoint kinase; minus strand). Cytogenetic location: 3q23.
Variant type: single nucleotide variant.
Coding change: c.1322C>T on transcript NM_001184.4 (MANE Select); coding-DNA position 1322, C replaced by T.
Protein change: p.Ser441Phe; replaces serine 441 with phenylalanine.
Molecular consequence: missense variant.
Genome position (GRCh38, 1-based): chr3:142,561,270, G>A on the plus strand (C>T on the coding strand, the complement: ATR is on the minus strand). VCF-style: chr3-142561270-G-A. GRCh37 (hg19) VCF-style: chr3-142280112-G-A.
Other names: c.1322C>T, p.Ser441Phe (NM_001354579.2); short protein forms S441F.
Identifiers: ClinVar variation 1002083 (VCV001002083.8), dbSNP rs770059434, ClinGen allele CA354823170.

ClinVar aggregate classification (germline): Uncertain significance (1 of 4 stars; one submission).

gnomAD v4.1: 1 of 1,614,052 alleles (0.000062%); highest among the groups gnomAD compares: Non-Finnish European, 0.000085%; no homozygotes.

Submission:

Labcorp Genetics (formerly Invitae), Labcorp
Classification: Uncertain significance. Last evaluated: 2020-02-20. Review status: criteria provided, single submitter. Criteria: Invitae Variant Classification Sherloc (09022015). Collection method: clinical testing. Allele origin: germline.
Comment: In summary, the available evidence is currently insufficient to determine the role of this variant in disease. Therefore, it has been classified as a Variant of Uncertain Significance. This sequence change replaces serine with phenylalanine at codon 441 of the ATR protein (p.Ser441Phe). The serine residue is weakly conserved and there is a large physicochemical difference between serine and phenylalanine. This variant is not present in population databases (ExAC no frequency). This variant has not been reported in the literature in individuals with ATR-related conditions. Algorithms developed to predict the effect of missense changes on protein structure and function output the following: SIFT: "Tolerated"; PolyPhen-2: "Benign"; Align-GVGD: "Class C0". The phenylalanine amino acid residue is found in multiple mammalian species, suggesting that this missense change does not adversely affect protein function. These predictions have not been confirmed by published functional studies and their clinical significance is uncertain.